The following is an entry in ClinVar:

NM_000179.3(MSH6):c.119delinsTT (p.Ala40fs)

Gene: MSH6 (mutS homolog 6; plus strand). Cytogenetic location: 2p16.3.
Variant type: Indel.
Coding change: c.119delinsTT on transcript NM_000179.3 (MANE Select); coding-DNA position 119, C replaced by TT.
Protein change: p.Ala40fs; shifts the reading frame from alanine 40.
Molecular consequence: frameshift variant. On other transcripts: 5 prime UTR variant (1).
Genome position (GRCh38, 1-based): chr2:47,783,352, C replaced by TT. VCF-style: chr2-47783352-C-TT. GRCh37 (hg19) VCF-style: chr2-48010491-C-TT.
Other names: c.119delinsTT, p.Ala40fs (NM_001281492.2); c.-618delinsTT (NM_001281493.2); c.119delCinsTT, p.Ala40Valfs (NM_001406795.1, NM_001406796.1, NM_001406798.1 and 8 more transcripts); c.-210delCinsTT (NM_001406799.1); c.64delCinsTT, p.Pro22Phefs (NM_001406804.1); c.-810delCinsTT (NM_001406807.1); c.-618delCinsTT (NM_001406811.1); c.-465delCinsTT (NM_001406812.1); and 2 more; short protein forms A40fs.
Identifiers: ClinVar variation 1746876 (VCV001746876.2), dbSNP rs2530317695, ClinGen allele CA2580067024.

ClinVar aggregate classification (germline): Pathogenic (1 of 4 stars; one submission).

Conditions:
Hereditary cancer-predisposing syndrome. Also called: Hereditary Cancer Syndrome; Neoplastic Syndromes, Hereditary; Tumor predisposition; Hereditary neoplastic syndrome. Identifiers: Orphanet 140162, MedGen C0027672, MeSH D009386, MONDO:0015356.

Submission:

Ambry Genetics
Classification: Pathogenic for Hereditary cancer-predisposing syndrome. Last evaluated: 2015-10-19. Review status: criteria provided, single submitter. Criteria: Ambry Variant Classification Scheme 2023. Collection method: clinical testing. Allele origin: germline.
Comment: The c.119delCinsTT pathogenic mutation, located in coding exon 1 of the MSH6 gene, results from the deletion of one nucleotide and insertion of two nucleotides at position 119, causing a translational frameshift with a predicted alternate stop codon. Since frameshifts are typically deleterious in nature, this alteration is interpreted as a disease-causing mutation (ACMG Recommendations for Standards for Interpretation and Reporting of Sequence Variations. Revision 2007. Genet Med. 2008;10:294).